The following is an entry in ClinVar:

NM_001267727.2(ARSG):c.1518C>A (p.Asp506Glu)

Genes: ARSG (arylsulfatase G; plus strand), PRKAR1A (protein kinase cAMP-dependent type I regulatory subunit alpha; plus strand). Cytogenetic location: 17q24.2.
Variant type: single nucleotide variant.
Coding change: c.1518C>A on transcript NM_001267727.2 (MANE Select); coding-DNA position 1518, C replaced by A.
Protein change: p.Asp506Glu; replaces aspartic acid 506 with glutamic acid.
Molecular consequence: missense variant. On other transcripts: intron variant (3).
Genome position (GRCh38, 1-based): chr17:68,420,403, C>A. VCF-style: chr17-68420403-C-A. GRCh37 (hg19) VCF-style: chr17-66416544-C-A.
Other names: c.1515C>A, p.Asp505Glu (NM_001352907.2, NM_001352903.2, NM_001352904.2 and 2 more transcripts); c.1518C>A, p.Asp506Glu (NM_014960.5, NM_001352899.2, NM_001352900.2 and 2 more transcripts); c.1303+18953C>A (NM_001352910.2); c.1255+18953C>A (NM_001352909.2); c.-7+6608C>A (NM_001278433.2); short protein forms D506E, D505E.
Identifiers: ClinVar variation 2094694 (VCV002094694.4), dbSNP rs1427260856, ClinGen allele CA400749288.

ClinVar aggregate classification (germline): Uncertain significance (1 of 4 stars; one submission).

gnomAD v4.1: 1 of 1,614,188 alleles (0.000062%); highest among the groups gnomAD compares: Admixed American, 0.0017%; no homozygotes.

Submission:

Labcorp Genetics (formerly Invitae), Labcorp
Classification: Uncertain significance. Last evaluated: 2024-12-16. Review status: criteria provided, single submitter. Criteria: Invitae Variant Classification Sherloc (09022015). Collection method: clinical testing. Allele origin: germline.
Comment: This sequence change replaces aspartic acid, which is acidic and polar, with glutamic acid, which is acidic and polar, at codon 506 of the ARSG protein (p.Asp506Glu). This variant is present in population databases (no rsID available, gnomAD 0.003%). This variant has not been reported in the literature in individuals affected with ARSG-related conditions. ClinVar contains an entry for this variant (Variation ID: 2094694). An algorithm developed to predict the effect of missense changes on protein structure and function (PolyPhen-2) suggests that this variant is likely to be tolerated. In summary, the available evidence is currently insufficient to determine the role of this variant in disease. Therefore, it has been classified as a Variant of Uncertain Significance.